The following is an entry in ClinVar:

NM_033109.5(PNPT1):c.1346G>C (p.Gly449Ala)

Gene: PNPT1 (polyribonucleotide nucleotidyltransferase 1; minus strand). Cytogenetic location: 2p16.1.
Variant type: single nucleotide variant.
Coding change: c.1346G>C on transcript NM_033109.5 (MANE Select); coding-DNA position 1346, G replaced by C.
Protein change: p.Gly449Ala; replaces glycine 449 with alanine.
Molecular consequence: missense variant.
Genome position (GRCh38, 1-based): chr2:55,656,310, C>G on the plus strand (G>C on the coding strand, the complement: PNPT1 is on the minus strand). VCF-style: chr2-55656310-C-G. GRCh37 (hg19) VCF-style: chr2-55883445-C-G.
Other names: short protein forms G449A.
Identifiers: ClinVar variation 5037022 (VCV005037022.1).
Genomic context (GRCh38, chr2:55,656,310, plus strand): 5'-AAATGTATTAAGTCTCTGTAAGAATACCGTATTAAGTTTACAGACCTGTACTTACCATGC[C>G]CAAGTTCTCTTCTATTTAAACCAGTGACTTTGCCAATTTCATTAGTTGCATAAGGAGGAA-3'
Protein context (NP_149100.2, residues 439-459): KVTGLNRREL[Gly449Ala]HGALAEKALY

ClinVar aggregate classification (germline): Uncertain significance (1 of 4 stars; one submission).

Submission:

GeneDx
Classification: Uncertain significance. Last evaluated: 2026-04-13. Review status: criteria provided, single submitter. Criteria: GeneDx Variant Classification Process June 2021. Collection method: clinical testing. Allele origin: germline.
Comment: Not observed at significant frequency in large population cohorts (gnomAD); In silico analysis supports that this missense variant has a deleterious effect on protein structure/function; Has not been previously published as pathogenic or benign to our knowledge